The following is an entry in ClinVar:

NM_000090.4(COL3A1):c.1160G>T (p.Gly387Val)

Gene: COL3A1 (collagen type III alpha 1 chain; plus strand). Cytogenetic location: 2q32.2.
Variant type: single nucleotide variant.
Coding change: c.1160G>T on transcript NM_000090.4 (MANE Select); coding-DNA position 1160, G replaced by T.
Protein change: p.Gly387Val; replaces glycine 387 with valine.
Molecular consequence: missense variant.
Genome position (GRCh38, 1-based): chr2:188,994,048, G>T. VCF-style: chr2-188994048-G-T. GRCh37 (hg19) VCF-style: chr2-189858774-G-T.
Other names: short protein forms G387V.
Identifiers: ClinVar variation 3634087 (VCV003634087.2).

ClinVar aggregate classification (germline): Likely pathogenic (1 of 4 stars; one submission).

Conditions:
Ehlers-Danlos syndrome, type 4 (EDSVASC). Also called: Ehlers-Danlos syndrome vascular type; Ehlers Danlos syndrome, ecchymotic type; Ehlers Danlos syndrome, arterial type; Ehlers Danlos syndrome, Sack-Barabas type; Ehlers-Danlos Syndrome Type IV. Identifiers: Orphanet 286, MedGen C0268338, MONDO:0017314, OMIM 130050.

Submission:

Labcorp Genetics (formerly Invitae), Labcorp
Classification: Likely pathogenic for Ehlers-Danlos syndrome, type 4. Last evaluated: 2025-02-26. Review status: criteria provided, single submitter. Criteria: Invitae Variant Classification Sherloc (09022015). Collection method: clinical testing. Allele origin: germline.
Comment: This sequence change replaces glycine, which is neutral and non-polar, with valine, which is neutral and non-polar, at codon 387 of the COL3A1 protein (p.Gly387Val). This variant is not present in population databases (gnomAD no frequency). This variant has not been reported in the literature in individuals affected with COL3A1-related conditions. Invitae Evidence Modeling of protein sequence and biophysical properties (such as structural, functional, and spatial information, amino acid conservation, physicochemical variation, residue mobility, and thermodynamic stability) indicates that this missense variant is expected to disrupt COL3A1 protein function with a positive predictive value of 95%. This variant disrupts the triple helix domain of COL3A1. Glycine residues within the Gly-Xaa-Yaa repeats of the triple helix domain are required for the structure and stability of fibrillar collagens (PMID: 7695699, 8218237, 19344236). In COL3A1, variants that affect these glycine residues are significantly enriched in individuals with disease (PMID: 24922459, 25758994) compared to the general population (ExAC). In summary, the currently available evidence indicates that the variant is pathogenic, but additional data are needed to prove that conclusively. Therefore, this variant has been classified as Likely Pathogenic.

Literature cited by the submitters: PubMed 7695699; PubMed 8218237; PubMed 19344236; PubMed 24922459; PubMed 25758994.